The following is an entry in ClinVar:

NM_000059.4(BRCA2):c.8047G>T (p.Ala2683Ser)

Gene: BRCA2 (BRCA2 DNA repair associated; plus strand). Cytogenetic location: 13q13.1.
Variant type: single nucleotide variant.
Coding change: c.8047G>T on transcript NM_000059.4 (MANE Select); coding-DNA position 8047, G replaced by T.
Protein change: p.Ala2683Ser; replaces alanine 2683 with serine.
Molecular consequence: missense variant.
Genome position (GRCh38, 1-based): chr13:32,363,249, G>T. VCF-style: chr13-32363249-G-T. GRCh37 (hg19) VCF-style: chr13-32937386-G-T.
Other names: short protein forms A2683S.
Identifiers: ClinVar variation 1469670 (VCV001469670.8), dbSNP rs1184535660, ClinGen allele CA387749044.

ClinVar aggregate classification (germline): Uncertain significance (1 of 4 stars; one submission).

Conditions:
Hereditary breast ovarian cancer syndrome. Also called: BRCA1- and BRCA2-Associated Hereditary Breast and Ovarian Cancer; Hereditary breast and ovarian cancer; Hereditary breast and ovarian cancer syndrome; Hereditary breast and ovarian cancer syndrome (HBOC); Breast and ovarian cancer; Hereditary breast and/or ovarian cancer syndrome. Identifiers: Orphanet 145, MedGen C0677776, MeSH D061325, MONDO:0003582. Disease mechanism: loss of function.

Submission:

Labcorp Genetics (formerly Invitae), Labcorp
Classification: Uncertain significance for Hereditary breast ovarian cancer syndrome. Last evaluated: 2020-11-15. Review status: criteria provided, single submitter. Criteria: Invitae Variant Classification Sherloc (09022015). Collection method: clinical testing. Allele origin: germline.
Comment: This sequence change replaces alanine with serine at codon 2683 of the BRCA2 protein (p.Ala2683Ser). The alanine residue is highly conserved and there is a moderate physicochemical difference between alanine and serine. This variant is not present in population databases (ExAC no frequency). This variant has not been reported in the literature in individuals with BRCA2-related conditions. Advanced modeling of protein sequence and biophysical properties (such as structural, functional, and spatial information, amino acid conservation, physicochemical variation, residue mobility, and thermodynamic stability) performed at Invitae indicates that this missense variant is not expected to disrupt BRCA2 protein function. In summary, the available evidence is currently insufficient to determine the role of this variant in disease. Therefore, it has been classified as a Variant of Uncertain Significance.